The following is an entry in ClinVar:

ClinVar aggregate classification (germline): Conflicting classifications of pathogenicity. Review status: criteria provided, conflicting classifications (1 of 4 stars). 3 submissions from 3 submitters: Uncertain significance (2); Benign (1). Last evaluated 2025-08-17.

Conditions:
Primary ciliary dyskinesia. Also called: Ciliary dyskinesia. Identifiers: Orphanet 244, MedGen C0008780, MONDO:0016575, HP:0012265.

Allele frequency attached by ClinVar (database versions not stated): ExAC 0.00002; gnomAD 0.00005; TOPMed 0.00005; gnomAD exomes 0.00011.
gnomAD v4.1: 164 of 1,612,862 alleles (0.01%); highest among the groups gnomAD compares: Non-Finnish European, 0.013%; no homozygotes.

Submissions (3):

Labcorp Genetics (formerly Invitae), Labcorp
Classification: Benign for Primary ciliary dyskinesia. Last evaluated: 2025-08-17. Review status: criteria provided, single submitter. Criteria: Invitae Variant Classification Sherloc (09022015). Collection method: clinical testing. Allele origin: germline.

Ambry Genetics
Classification: Uncertain significance for Primary ciliary dyskinesia. Last evaluated: 2025-08-08. Review status: criteria provided, single submitter. Criteria: Ambry Variant Classification Scheme 2023. Collection method: clinical testing. Allele origin: germline.

GeneDx
Classification: Uncertain significance. Last evaluated: 2022-04-09. Review status: criteria provided, single submitter. Criteria: GeneDx Variant Classification Process June 2021. Collection method: clinical testing. Allele origin: germline. Affected: yes.
Comment: In silico analysis supports that this missense variant does not alter protein structure/function; Has not been previously published as pathogenic or benign to our knowledge

NM_001369.3(DNAH5):c.1304C>T (p.Ala435Val)

Gene: DNAH5 (dynein axonemal heavy chain 5; minus strand). Cytogenetic location: 5p15.2.
Variant type: single nucleotide variant.
Coding change: c.1304C>T on transcript NM_001369.3 (MANE Select); coding-DNA position 1304, C replaced by T.
Protein change: p.Ala435Val; replaces alanine 435 with valine.
Molecular consequence: missense variant.
Genome position (GRCh38, 1-based): chr5:13,914,536, G>A on the plus strand (C>T on the coding strand, the complement: DNAH5 is on the minus strand). VCF-style: chr5-13914536-G-A. GRCh37 (hg19) VCF-style: chr5-13914645-G-A.
Other names: short protein forms A435V.
Identifiers: ClinVar variation 1708808 (VCV001708808.10), dbSNP rs766164602, ClinGen allele CA3204891.